The following is an entry in ClinVar:

ClinVar aggregate classification (germline): Uncertain significance. Review status: criteria provided, multiple submitters, no conflicts (2 of 4 stars). 2 submissions from 2 submitters: Uncertain significance (2). Last evaluated 2025-05-12.

Conditions:
Cardiomyopathy (CMYO). Also called: Cardiomyopathies. Identifiers: Orphanet 167848, MedGen C0878544, MONDO:0004994, HP:0001638. Inheritance: Various modes of inheritance.
TTN-related disorder. Also called: TTN-related condition; TTN-related disease; TTN-related disorders.

gnomAD v4.1: 5 of 1,601,538 alleles (0.00031%); no homozygotes.

Submissions (2):

PreventionGenetics, part of Exact Sciences
Classification: Uncertain significance for TTN-related condition. Last evaluated: 2025-05-12. Review status: criteria provided, single submitter. Criteria: ACMG Guidelines, 2015. Collection method: clinical testing. Allele origin: germline.
Comment: The TTN c.35265A>T variant is predicted to result in the amino acid substitution p.Lys11755Asn. To our knowledge, this variant has not been reported in the literature. This variant is reported in 0.0059% of alleles in individuals of East Asian descent in gnomAD. At this time, the clinical significance of this variant is uncertain due to the absence of conclusive functional and genetic evidence.

CHEO Genetics Diagnostic Laboratory, Children's Hospital of Eastern Ontario
Classification: Uncertain significance for Cardiomyopathy. Last evaluated: 2016-05-16. Review status: criteria provided, single submitter. Criteria: ACMG Guidelines, 2015. Collection method: clinical testing. Allele origin: germline. Study: Canadian Open Genetics Repository.

NM_001267550.2(TTN):c.35265A>T (p.Lys11755Asn)

Gene: TTN (titin; minus strand). Cytogenetic location: 2q31.2.
Variant type: single nucleotide variant.
Coding change: c.35265A>T on transcript NM_001267550.2 (MANE Select); coding-DNA position 35265, A replaced by T.
Protein change: p.Lys11755Asn; replaces lysine 11755 with asparagine.
Molecular consequence: missense variant. On other transcripts: intron variant (3).
Genome position (GRCh38, 1-based): chr2:178,671,133, T>A on the plus strand (A>T on the coding strand, the complement: TTN is on the minus strand). VCF-style: chr2-178671133-T-A. GRCh37 (hg19) VCF-style: chr2-179535860-T-A.
Other names: c.34143A>T, p.Lys11381Asn (NM_001256850.1); c.31362A>T, p.Lys10454Asn (NM_133378.4); c.13283-28816A>T (NM_003319.4); c.13859-28816A>T (NM_133437.4); c.13658-28816A>T (NM_133432.3); short protein forms K11381N, K11755N, K10454N.
Identifiers: ClinVar variation 626442 (VCV000626442.3), dbSNP rs774526152, ClinGen allele CA349515702.
Genomic context (GRCh38, chr2:178,671,133, plus strand): 5'-TTTCACAAAGAAGATACCTTTAGCTGGTGGCTCTTTTCGAGGAACAACTTTAGTGGGCGG[T>A]TTTTTTGGAGGGATGATTTTCTCAGATATCTCAGGCCCTTCAAAGATATTAGTATTTTGG-3'
Protein context (NP_001254479.2, residues 11745-11765): EISEKIIPPK[Lys11755Asn]PPTKVVPRKE